The following is an entry in ClinVar:

ClinVar aggregate classification (germline): Uncertain significance. Review status: criteria provided, multiple submitters, no conflicts (2 of 4 stars). 2 submissions from 2 submitters: Uncertain significance (2). Last evaluated 2025-05-06.

Conditions:
Familial meningioma. Also called: Meningioma, familial, susceptibility to. Identifiers: Orphanet 263662, MedGen C3551915, MONDO:0011789, OMIM 607174.
Hereditary cancer-predisposing syndrome. Also called: Hereditary neoplastic syndrome; Neoplastic Syndromes, Hereditary; Tumor predisposition; Hereditary Cancer Syndrome. Identifiers: Orphanet 140162, MedGen C0027672, MeSH D009386, MONDO:0015356.

Submissions (2):

Ambry Genetics
Classification: Uncertain significance for Hereditary cancer-predisposing syndrome. Last evaluated: 2025-05-06. Review status: criteria provided, single submitter. Criteria: Ambry Variant Classification Scheme 2023. Collection method: clinical testing. Allele origin: germline.
Comment: The p.A307T variant (also known as c.919G>A), located in coding exon 9 of the SMARCE1 gene, results from a G to A substitution at nucleotide position 919. The alanine at codon 307 is replaced by threonine, an amino acid with similar properties. This amino acid position is conserved. In addition, this alteration is predicted to be tolerated by in silico analysis. Based on the available evidence, the clinical significance of this variant remains unclear.

Labcorp Genetics (formerly Invitae), Labcorp
Classification: Uncertain significance for Familial meningioma. Last evaluated: 2019-08-29. Review status: criteria provided, single submitter. Criteria: Invitae Variant Classification Sherloc (09022015). Collection method: clinical testing. Allele origin: germline.
Comment: This variant has not been reported in the literature in individuals with SMARCE1-related conditions. This variant is not present in population databases (ExAC no frequency). This sequence change replaces alanine with threonine at codon 307 of the SMARCE1 protein (p.Ala307Thr). The alanine residue is highly conserved and there is a small physicochemical difference between alanine and threonine. Algorithms developed to predict the effect of missense changes on protein structure and function are either unavailable or do not agree on the potential impact of this missense change (SIFT: "Deleterious"; PolyPhen-2: "Benign"; Align-GVGD: "Class C0"). In summary, the available evidence is currently insufficient to determine the role of this variant in disease. Therefore, it has been classified as a Variant of Uncertain Significance.

NM_003079.5(SMARCE1):c.919G>A (p.Ala307Thr)

Gene: SMARCE1 (SWI/SNF related BAF chromatin remodeling complex subunit E1; minus strand). Cytogenetic location: 17q21.2.
Variant type: single nucleotide variant.
Coding change: c.919G>A on transcript NM_003079.5 (MANE Select); coding-DNA position 919, G replaced by A.
Protein change: p.Ala307Thr; replaces alanine 307 with threonine.
Molecular consequence: missense variant.
Genome position (GRCh38, 1-based): chr17:40,630,822, C>T on the plus strand (G>A on the coding strand, the complement: SMARCE1 is on the minus strand). VCF-style: chr17-40630822-C-T. GRCh37 (hg19) VCF-style: chr17-38787074-C-T.
Other names: short protein forms A307T.
Identifiers: ClinVar variation 940008 (VCV000940008.10), dbSNP rs2037086571, ClinGen allele CA399363640.